The following is an entry in ClinVar:

NM_004415.4(DSP):c.7433C>A (p.Ser2478Tyr)

Gene: DSP (desmoplakin; plus strand). Cytogenetic location: 6p24.3.
Variant type: single nucleotide variant.
Coding change: c.7433C>A on transcript NM_004415.4 (MANE Select); coding-DNA position 7433, C replaced by A.
Protein change: p.Ser2478Tyr; replaces serine 2478 with tyrosine.
Molecular consequence: missense variant.
Genome position (GRCh38, 1-based): chr6:7,584,695, C>A. VCF-style: chr6-7584695-C-A. GRCh37 (hg19) VCF-style: chr6-7584928-C-A.
Other names: c.5636C>A, p.Ser1879Tyr (NM_001008844.3); c.6104C>A, p.Ser2035Tyr (NM_001319034.2); short protein forms S1879Y, S2035Y, S2478Y.
Identifiers: ClinVar variation 920124 (VCV000920124.6), dbSNP rs1759570987, ClinGen allele CA362692994.

ClinVar aggregate classification (germline): Uncertain significance. Review status: criteria provided, multiple submitters, no conflicts (2 of 4 stars). 2 submissions from 2 submitters: Uncertain significance (2). Last evaluated 2025-09-04.

Conditions:
Cardiomyopathy (CMYO). Also called: Cardiomyopathies. Identifiers: Orphanet 167848, MedGen C0878544, MONDO:0004994, HP:0001638. Inheritance: Various modes of inheritance.
Cardiovascular phenotype. Identifiers: MedGen CN230736.

gnomAD v4.1: 1 of 1,614,186 alleles (0.000062%); highest among the groups gnomAD compares: Non-Finnish European, 0.000085%; no homozygotes.

Submissions (2):

Ambry Genetics
Classification: Uncertain significance for Cardiovascular phenotype. Last evaluated: 2025-09-04. Review status: criteria provided, single submitter. Criteria: Ambry Variant Classification Scheme 2023. Collection method: clinical testing. Allele origin: germline.
Comment: The p.S2478Y variant (also known as c.7433C>A), located in coding exon 24 of the DSP gene, results from a C to A substitution at nucleotide position 7433. The serine at codon 2478 is replaced by tyrosine, an amino acid with dissimilar properties. This amino acid position is conserved. In addition, this alteration is predicted to be deleterious by in silico analysis. Based on the available evidence, the clinical significance of this variant remains unclear.

Color Diagnostics, LLC DBA Color Health
Classification: Uncertain significance for Cardiomyopathy. Last evaluated: 2023-12-05. Review status: criteria provided, single submitter. Criteria: ACMG Guidelines, 2015. Collection method: clinical testing. Allele origin: germline.
Comment: This missense variant replaces serine with tyrosine at codon 2478 of the DSP protein. Computational prediction tools and conservation analyses suggest that this variant may have deleterious impact on the protein function. Computational splicing tools suggest that this variant may not impact RNA splicing. To our knowledge, functional assays have not been performed for this variant nor has this variant been reported in individuals affected with cardiovascular disorders in the literature. This variant has not been identified in the general population by the Genome Aggregation Database (gnomAD). Available evidence is insufficient to determine the role of this variant in disease conclusively. Therefore, this variant is classified as a Variant of Uncertain Significance.